The following is an entry in ClinVar:

NM_000717.5(CA4):c.115C>T (p.Pro39Ser)

Gene: CA4 (carbonic anhydrase 4; plus strand). Cytogenetic location: 17q23.1.
Variant type: single nucleotide variant.
Coding change: c.115C>T on transcript NM_000717.5 (MANE Select); coding-DNA position 115, C replaced by T.
Protein change: p.Pro39Ser; replaces proline 39 with serine.
Molecular consequence: missense variant. On other transcripts: non-coding transcript variant (1).
Genome position (GRCh38, 1-based): chr17:60,156,562, C>T. VCF-style: chr17-60156562-C-T. GRCh37 (hg19) VCF-style: chr17-58233923-C-T.
Other names: short protein forms P39S.
Identifiers: ClinVar variation 849484 (VCV000849484.9), dbSNP rs2083687821, ClinGen allele CA400452698.

ClinVar aggregate classification (germline): Uncertain significance (1 of 4 stars; one submission).

Submission:

Labcorp Genetics (formerly Invitae), Labcorp
Classification: Uncertain significance. Last evaluated: 2022-07-18. Review status: criteria provided, single submitter. Criteria: Invitae Variant Classification Sherloc (09022015). Collection method: clinical testing. Allele origin: germline.
Comment: In summary, the available evidence is currently insufficient to determine the role of this variant in disease. Therefore, it has been classified as a Variant of Uncertain Significance. Algorithms developed to predict the effect of missense changes on protein structure and function are either unavailable or do not agree on the potential impact of this missense change (SIFT: "Not Available"; PolyPhen-2: "Probably Damaging"; Align-GVGD: "Not Available"). ClinVar contains an entry for this variant (Variation ID: 849484). This variant has not been reported in the literature in individuals affected with CA4-related conditions. This variant is not present in population databases (gnomAD no frequency). This sequence change replaces proline, which is neutral and non-polar, with serine, which is neutral and polar, at codon 39 of the CA4 protein (p.Pro39Ser).